The following is an entry in ClinVar:

ClinVar aggregate classification (germline): Likely benign (1 of 4 stars; one submission).

Submission:

CeGaT Center for Human Genetics Tuebingen
Classification: Likely benign. Last evaluated: 2023-03-01. Review status: criteria provided, single submitter. Criteria: CeGaT Center For Human Genetics Tuebingen Variant Classification Criteria Version 2. Collection method: clinical testing. Allele origin: germline. Affected: yes. Observed: 1 variant allele.
Comment: LPA: BP4

NM_005577.4(LPA):c.894-3C>T

Gene: LPA (lipoprotein(a); minus strand). Cytogenetic location: 6q26.
Variant type: single nucleotide variant.
Coding change: c.894-3C>T on transcript NM_005577.4 (MANE Select); 3 bases into the intron before coding-DNA position 894, C replaced by T.
Molecular consequence: intron variant.
Genome position (GRCh38, 1-based): chr6:160,635,307, G>A on the plus strand (C>T on the coding strand, the complement: LPA is on the minus strand). VCF-style: chr6-160635307-G-A. GRCh37 (hg19) VCF-style: chr6-161056339-G-A.
Identifiers: ClinVar variation 2499029 (VCV002499029.28), dbSNP rs1469980997, ClinGen allele CA571906749.